The following is an entry in ClinVar:

NM_001942.4(DSG1):c.767A>G (p.Asn256Ser)

Gene: DSG1 (desmoglein 1; plus strand). Cytogenetic location: 18q12.1.
Variant type: single nucleotide variant.
Coding change: c.767A>G on transcript NM_001942.4 (MANE Select); coding-DNA position 767, A replaced by G.
Protein change: p.Asn256Ser; replaces asparagine 256 with serine.
Molecular consequence: missense variant.
Genome position (GRCh38, 1-based): chr18:31,333,671, A>G. VCF-style: chr18-31333671-A-G. GRCh37 (hg19) VCF-style: chr18-28913634-A-G.
Other names: c.767A>G (NM_001942.2); short protein forms N256S.
Identifiers: ClinVar variation 1482090 (VCV001482090.9), dbSNP rs146862520, ClinGen allele CA297694239.

ClinVar aggregate classification (germline): Conflicting classifications of pathogenicity. Review status: criteria provided, conflicting classifications (1 of 4 stars). 2 submissions from 2 submitters: Uncertain significance (1); Likely benign (1). Last evaluated 2026-01-21.

Conditions:
Inborn genetic diseases. Identifiers: MedGen C0950123, MeSH D030342.

Allele frequency attached by ClinVar (database versions not stated): TOPMed 0.00011; gnomAD exomes 0.00001; ESP Exome Variant Server 0.00008; gnomAD 0.00009.
gnomAD v4.1: 28 of 1,613,770 alleles (0.0017%); highest among the groups gnomAD compares: African/African-American, 0.032%; no homozygotes.

Submissions (2):

Labcorp Genetics (formerly Invitae), Labcorp
Classification: Uncertain significance. Last evaluated: 2026-01-21. Review status: criteria provided, single submitter. Criteria: Invitae Variant Classification Sherloc (09022015). Collection method: clinical testing. Allele origin: germline.
Comment: This sequence change replaces asparagine, which is neutral and polar, with serine, which is neutral and polar, at codon 256 of the DSG1 protein (p.Asn256Ser). This variant is present in population databases (rs146862520, gnomAD 0.02%). This variant has not been reported in the literature in individuals affected with DSG1-related conditions. ClinVar contains an entry for this variant (Variation ID: 1482090). Invitae Evidence Modeling of protein sequence and biophysical properties (such as structural, functional, and spatial information, amino acid conservation, physicochemical variation, residue mobility, and thermodynamic stability) indicates that this missense variant is not expected to disrupt DSG1 protein function with a negative predictive value of 80%. In summary, the available evidence is currently insufficient to determine the role of this variant in disease. Therefore, it has been classified as a Variant of Uncertain Significance.

Ambry Genetics
Classification: Likely benign for Inborn genetic diseases. Last evaluated: 2024-04-23. Review status: criteria provided, single submitter. Criteria: Ambry Variant Classification Scheme 2023. Collection method: clinical testing. Allele origin: germline.